The following is an entry in ClinVar:

ClinVar aggregate classification (germline): Uncertain significance (1 of 4 stars; one submission).

Conditions:
Usher syndrome type 3B. Also called: USHER SYNDROME, TYPE IIIB. Identifiers: MedGen C3281066, MONDO:0013788, OMIM 614504.

Submission:

Labcorp Genetics (formerly Invitae), Labcorp
Classification: Uncertain significance for Usher syndrome type 3B. Last evaluated: 2024-08-21. Review status: criteria provided, single submitter. Criteria: Invitae Variant Classification Sherloc (09022015). Collection method: clinical testing. Allele origin: germline.
Comment: This sequence change replaces leucine, which is neutral and non-polar, with valine, which is neutral and non-polar, at codon 299 of the HARS protein (p.Leu299Val). This variant is not present in population databases (gnomAD no frequency). This variant has not been reported in the literature in individuals affected with HARS-related conditions. Invitae Evidence Modeling of protein sequence and biophysical properties (such as structural, functional, and spatial information, amino acid conservation, physicochemical variation, residue mobility, and thermodynamic stability) indicates that this missense variant is not expected to disrupt HARS protein function with a negative predictive value of 80%. In summary, the available evidence is currently insufficient to determine the role of this variant in disease. Therefore, it has been classified as a Variant of Uncertain Significance.

NM_002109.6(HARS1):c.895C>G (p.Leu299Val)

Gene: HARS1 (histidyl-tRNA synthetase 1; minus strand). Cytogenetic location: 5q31.3.
Variant type: single nucleotide variant.
Coding change: c.895C>G on transcript NM_002109.6 (MANE Select); coding-DNA position 895, C replaced by G.
Protein change: p.Leu299Val; replaces leucine 299 with valine.
Molecular consequence: missense variant.
Genome position (GRCh38, 1-based): chr5:140,677,045, G>C on the plus strand (C>G on the coding strand, the complement: HARS1 is on the minus strand). VCF-style: chr5-140677045-G-C. GRCh37 (hg19) VCF-style: chr5-140056630-G-C.
Other names: c.775C>G, p.Leu259Val (NM_001258040.3); c.835C>G, p.Leu279Val (NM_001258041.3); c.715C>G, p.Leu239Val (NM_001258042.3); c.673C>G, p.Leu225Val (NM_001289092.2); c.553C>G, p.Leu185Val (NM_001289093.2); c.808C>G, p.Leu270Val (NM_001289094.2); short protein forms L185V, L225V, L239V, L259V, L270V, L279V, L299V.
Identifiers: ClinVar variation 3621800 (VCV003621800.2).